The following is an entry in ClinVar:

ClinVar aggregate classification (germline): Uncertain significance (1 of 4 stars; one submission).

Submission:

Labcorp Genetics (formerly Invitae), Labcorp
Classification: Uncertain significance. Last evaluated: 2023-05-15. Review status: criteria provided, single submitter. Criteria: Invitae Variant Classification Sherloc (09022015). Collection method: clinical testing. Allele origin: germline.
Comment: This variant has not been reported in the literature in individuals affected with ABCA1-related conditions. This variant is not present in population databases (gnomAD no frequency). ClinVar contains an entry for this variant (Variation ID: 1487566). Advanced modeling of protein sequence and biophysical properties (such as structural, functional, and spatial information, amino acid conservation, physicochemical variation, residue mobility, and thermodynamic stability) performed at Invitae indicates that this missense variant is not expected to disrupt ABCA1 protein function. In summary, the available evidence is currently insufficient to determine the role of this variant in disease. Therefore, it has been classified as a Variant of Uncertain Significance. This sequence change replaces cysteine, which is neutral and slightly polar, with phenylalanine, which is neutral and non-polar, at codon 749 of the ABCA1 protein (p.Cys749Phe).

NM_005502.4(ABCA1):c.2246G>T (p.Cys749Phe)

Gene: ABCA1 (ATP binding cassette subfamily A member 1; minus strand). Cytogenetic location: 9q31.1.
Variant type: single nucleotide variant.
Coding change: c.2246G>T on transcript NM_005502.4 (MANE Select); coding-DNA position 2246, G replaced by T.
Protein change: p.Cys749Phe; replaces cysteine 749 with phenylalanine.
Molecular consequence: missense variant.
Genome position (GRCh38, 1-based): chr9:104,827,039, C>A on the plus strand (G>T on the coding strand, the complement: ABCA1 is on the minus strand). VCF-style: chr9-104827039-C-A. GRCh37 (hg19) VCF-style: chr9-107589320-C-A.
Other names: short protein forms C749F.
Identifiers: ClinVar variation 1487566 (VCV001487566.8), dbSNP rs1260761006, ClinGen allele CA374321722.